The following is an entry in ClinVar:

NM_001453.3(FOXC1):c.1040C>T (p.Pro347Leu)

Gene: FOXC1 (forkhead box C1; plus strand). Cytogenetic location: 6p25.3.
Variant type: single nucleotide variant.
Coding change: c.1040C>T on transcript NM_001453.3 (MANE Select); coding-DNA position 1040, C replaced by T.
Protein change: p.Pro347Leu; replaces proline 347 with leucine.
Molecular consequence: missense variant.
Genome position (GRCh38, 1-based): chr6:1,611,485, C>T. VCF-style: chr6-1611485-C-T. GRCh37 (hg19) VCF-style: chr6-1611720-C-T.
Other names: short protein forms P347L.
Identifiers: ClinVar variation 2993123 (VCV002993123.3), dbSNP rs556342882, ClinGen allele CA3614856.

ClinVar aggregate classification (germline): Uncertain significance (1 of 4 stars; one submission).

Conditions:
Axenfeld-Rieger syndrome type 3 (RIEG3). Also called: AXENFELD-RIEGER ANOMALY WITH CARDIAC DEFECTS AND/OR SENSORINEURAL HEARING LOSS. Identifiers: Orphanet 782, MedGen C2678503, MONDO:0011233, OMIM 602482.

Allele frequency attached by ClinVar (database versions not stated): 1000 Genomes Project 0.00020; 1000 Genomes Project 30x 0.00031.
gnomAD v4.1: 5 of 1,378,390 alleles (0.00036%); highest among the groups gnomAD compares: African/African-American, 0.0045%; no homozygotes.

Submission:

Labcorp Genetics (formerly Invitae), Labcorp
Classification: Uncertain significance for Axenfeld-Rieger syndrome type 3. Last evaluated: 2024-03-11. Review status: criteria provided, single submitter. Criteria: Invitae Variant Classification Sherloc (09022015). Collection method: clinical testing. Allele origin: germline.
Comment: This sequence change replaces proline, which is neutral and non-polar, with leucine, which is neutral and non-polar, at codon 347 of the FOXC1 protein (p.Pro347Leu). This variant is not present in population databases (gnomAD no frequency). This variant has not been reported in the literature in individuals affected with FOXC1-related conditions. An algorithm developed to predict the effect of missense changes on protein structure and function (PolyPhen-2) suggests that this variant is likely to be tolerated. In summary, the available evidence is currently insufficient to determine the role of this variant in disease. Therefore, it has been classified as a Variant of Uncertain Significance.